The following is an entry in ClinVar:

ClinVar aggregate classification (germline): Pathogenic (1 of 4 stars; one submission).

Conditions:
Inborn genetic diseases. Identifiers: MedGen C0950123, MeSH D030342.

Submission:

Ambry Genetics
Classification: Pathogenic for Inborn genetic diseases. Last evaluated: 2018-04-25. Review status: criteria provided, single submitter. Criteria: Ambry Variant Classification Scheme 2023. Collection method: clinical testing. Allele origin: germline.
Comment: The c.401delT pathogenic mutation, located in coding exon 3 of the KCNQ2 gene, results from a deletion of one nucleotide at nucleotide position 401, causing a translational frameshift with a predicted alternate stop codon (p.I134Tfs*37). This alteration is expected to result in loss of function by premature protein truncation or nonsense-mediated mRNA decay. As such, this alteration is interpreted as a disease-causing mutation.

NM_172107.4(KCNQ2):c.401del (p.Ile134fs)

Gene: KCNQ2 (potassium voltage-gated channel subfamily Q member 2; minus strand). Cytogenetic location: 20q13.33.
Variant type: Deletion.
Coding change: c.401del on transcript NM_172107.4 (MANE Select); coding-DNA position 401, one base deleted (T; older notation c.401delT).
Protein change: p.Ile134fs; shifts the reading frame from isoleucine 134.
Molecular consequence: frameshift variant.
Genome position (GRCh38, 1-based): chr20:63,445,351, A deleted on the plus strand (T on the coding strand, the reverse complement: KCNQ2 is on the minus strand). VCF-style (leftmost placement, unchanged base first): chr20-63445350-GA-G. GRCh37 (hg19) VCF-style: chr20-62076703-GA-G.
Other names: c.401del, p.Ile134fs (NM_001382235.1, NM_004518.6, NM_172106.3 and 2 more transcripts); short protein forms I134fs.
Identifiers: ClinVar variation 1737096 (VCV001737096.2), dbSNP rs2516512792, ClinGen allele CA2580098418.